The following is an entry in ClinVar:

NM_004369.4(COL6A3):c.5578T>C (p.Ser1860Pro)

Gene: COL6A3 (collagen type VI alpha 3 chain; minus strand). Cytogenetic location: 2q37.3.
Variant type: single nucleotide variant.
Coding change: c.5578T>C on transcript NM_004369.4 (MANE Select); coding-DNA position 5578, T replaced by C.
Protein change: p.Ser1860Pro; replaces serine 1860 with proline.
Molecular consequence: missense variant.
Genome position (GRCh38, 1-based): chr2:237,365,958, A>G on the plus strand (T>C on the coding strand, the complement: COL6A3 is on the minus strand). VCF-style: chr2-237365958-A-G. GRCh37 (hg19) VCF-style: chr2-238274601-A-G.
Other names: c.3757T>C, p.Ser1253Pro (NM_057166.5); c.4960T>C, p.Ser1654Pro (NM_057167.4); short protein forms S1654P, S1860P, S1253P.
Identifiers: ClinVar variation 1977459 (VCV001977459.5), dbSNP rs2469880446, ClinGen allele CA351186216.

ClinVar aggregate classification (germline): Uncertain significance (1 of 4 stars; one submission).

Conditions:
Bethlem myopathy 1A. Also called: MYOPATHY, BENIGN CONGENITAL, WITH CONTRACTURES; Bethlem myopathy 1; Bethlem Muscular Dystrophy. Identifiers: Orphanet 610, MedGen CN029274, MONDO:0024530, OMIM 158810.

Submission:

Labcorp Genetics (formerly Invitae), Labcorp
Classification: Uncertain significance for Bethlem myopathy 1A. Last evaluated: 2022-08-16. Review status: criteria provided, single submitter. Criteria: Invitae Variant Classification Sherloc (09022015). Collection method: clinical testing. Allele origin: germline.
Comment: Advanced modeling of protein sequence and biophysical properties (such as structural, functional, and spatial information, amino acid conservation, physicochemical variation, residue mobility, and thermodynamic stability) performed at Invitae indicates that this missense variant is not expected to disrupt COL6A3 protein function. In summary, the available evidence is currently insufficient to determine the role of this variant in disease. Therefore, it has been classified as a Variant of Uncertain Significance. This variant has not been reported in the literature in individuals affected with COL6A3-related conditions. This sequence change replaces serine, which is neutral and polar, with proline, which is neutral and non-polar, at codon 1860 of the COL6A3 protein (p.Ser1860Pro). This variant is not present in population databases (gnomAD no frequency).